The following is an entry in ClinVar:

ClinVar aggregate classification (germline): Conflicting classifications of pathogenicity. Review status: criteria provided, conflicting classifications (1 of 4 stars). 2 submissions from 2 submitters: Likely pathogenic (1); Uncertain significance (1). Last evaluated 2026-03-17.

Conditions:
Hereditary spastic paraplegia 31. Also called: SPASTIC PARAPLEGIA 31, AUTOSOMAL DOMINANT. Identifiers: Orphanet 101011, MedGen C1853247, MONDO:0012453, OMIM 610250.

Allele frequency attached by ClinVar (database versions not stated): gnomAD exomes below 0.00001.
gnomAD v4.1: 9 of 1,608,982 alleles (0.00056%); highest among the groups gnomAD compares: East Asian, 0.0022%; no homozygotes.

Submissions (2):

GeneDx
Classification: Uncertain significance. Last evaluated: 2026-03-17. Review status: criteria provided, single submitter. Criteria: GeneDx Variant Classification Process June 2021. Collection method: clinical testing. Allele origin: germline.
Comment: Not observed at significant frequency in large population cohorts (gnomAD); In silico analysis supports that this missense variant has a deleterious effect on protein structure/function; Has not been previously published as pathogenic or benign to our knowledge

Labcorp Genetics (formerly Invitae), Labcorp
Classification: Likely pathogenic for Hereditary spastic paraplegia 31. Last evaluated: 2022-11-08. Review status: criteria provided, single submitter. Criteria: Invitae Variant Classification Sherloc (09022015). Collection method: clinical testing. Allele origin: germline.
Comment: In summary, the currently available evidence indicates that the variant is pathogenic, but additional data are needed to prove that conclusively. Therefore, this variant has been classified as Likely Pathogenic. This variant disrupts the p.Ala20 amino acid residue in REEP1. Other variant(s) that disrupt this residue have been determined to be pathogenic (PMID: 16826527, 18321925, 20718791, 23812641). This suggests that this residue is clinically significant, and that variants that disrupt this residue are likely to be disease-causing. Advanced modeling of protein sequence and biophysical properties (such as structural, functional, and spatial information, amino acid conservation, physicochemical variation, residue mobility, and thermodynamic stability) performed at Invitae indicates that this missense variant is expected to disrupt REEP1 protein function. ClinVar contains an entry for this variant (Variation ID: 943302). This variant has not been reported in the literature in individuals affected with REEP1-related conditions. This variant is present in population databases (no rsID available, gnomAD 0.006%). This sequence change replaces alanine, which is neutral and non-polar, with valine, which is neutral and non-polar, at codon 20 of the REEP1 protein (p.Ala20Val).

Literature cited by the submitters: PubMed 16826527 (cited by Labcorp Genetics (formerly Invitae), Labcorp); PubMed 18321925 (cited by Labcorp Genetics (formerly Invitae), Labcorp); PubMed 20718791 (cited by Labcorp Genetics (formerly Invitae), Labcorp); PubMed 23812641 (cited by Labcorp Genetics (formerly Invitae), Labcorp).

NM_001371279.1(REEP1):c.59C>T (p.Ala20Val)

Gene: REEP1 (receptor accessory protein 1; minus strand). Cytogenetic location: 2p11.2.
Variant type: single nucleotide variant.
Coding change: c.59C>T on transcript NM_001371279.1 (MANE Select); coding-DNA position 59, C replaced by T.
Protein change: p.Ala20Val; replaces alanine 20 with valine.
Molecular consequence: missense variant. On other transcripts: intron variant (1).
Genome position (GRCh38, 1-based): chr2:86,282,216, G>A on the plus strand (C>T on the coding strand, the complement: REEP1 is on the minus strand). VCF-style: chr2-86282216-G-A. GRCh37 (hg19) VCF-style: chr2-86509339-G-A.
Other names: c.80C>T, p.Ala27Val (NM_001164730.2); c.59C>T, p.Ala20Val (NM_001164732.2, NM_001371280.1, NM_022912.3); c.25-18175C>T (NM_001164731.2); short protein forms A20V, A27V.
Identifiers: ClinVar variation 943302 (VCV000943302.10), dbSNP rs121918262, ClinGen allele CA347722689.